The following is an entry in ClinVar:

ClinVar aggregate classification (germline): Likely benign (1 of 4 stars; one submission).

Allele frequency attached by ClinVar (database versions not stated): 1000 Genomes Project 0.00020; 1000 Genomes Project 30x 0.00031; ESP Exome Variant Server 0.00131; TOPMed 0.00164; ExAC 0.00191.
gnomAD v4.1: 2,163 of 1,614,168 alleles (0.13%); highest among the groups gnomAD compares: Admixed American, 0.16%; 36 homozygotes.

Submission:

CeGaT Center for Human Genetics Tuebingen
Classification: Likely benign. Last evaluated: 2022-09-01. Review status: criteria provided, single submitter. Criteria: CeGaT Center For Human Genetics Tuebingen Variant Classification Criteria Version 2. Collection method: clinical testing. Allele origin: germline. Affected: yes. Observed: 1 variant allele.
Comment: PCDHA13: BP4, BP7

NM_018904.3(PCDHA13):c.292C>A (p.Arg98=)

Genes: PCDHA1 (protocadherin alpha 1; plus strand), PCDHA10 (protocadherin alpha 10; plus strand), PCDHA11 (protocadherin alpha 11; plus strand), PCDHA12 (protocadherin alpha 12; plus strand), PCDHA13 (protocadherin alpha 13; plus strand) and 9 more. Cytogenetic location: 5q31.3.
Variant type: single nucleotide variant.
Coding change: c.292C>A on transcript NM_018904.3 (MANE Select); coding-DNA position 292, C replaced by A.
Protein change: p.Arg98=; no amino-acid change (arginine 98 retained).
Molecular consequence: synonymous variant. On other transcripts: intron variant (15).
Genome position (GRCh38, 1-based): chr5:140,882,560, C>A. VCF-style: chr5-140882560-C-A. GRCh37 (hg19) VCF-style: chr5-140262145-C-A.
Other names: c.292C>A, p.Arg98= (NM_031865.2); c.2394+93876C>A (NM_018900.4); c.1602+94668C>A (NM_031411.3); c.2388+85208C>A (NM_018905.3); c.2394+78969C>A (NM_018906.3); c.2385+72988C>A (NM_018907.4); c.2352+58433C>A (NM_018908.3); c.2394+52075C>A (NM_018909.4); and 8 more.
Identifiers: ClinVar variation 2655796 (VCV002655796.24), dbSNP rs150463901, ClinGen allele CA3453007.